The following is an entry in ClinVar:

NM_001201543.2(FAM161A):c.635T>A (p.Ile212Asn)

Gene: FAM161A (FAM161 centrosomal protein A; minus strand). Cytogenetic location: 2p15.
Variant type: single nucleotide variant.
Coding change: c.635T>A on transcript NM_001201543.2 (MANE Select); coding-DNA position 635, T replaced by A.
Protein change: p.Ile212Asn; replaces isoleucine 212 with asparagine.
Molecular consequence: missense variant. On other transcripts: non-coding transcript variant (1).
Genome position (GRCh38, 1-based): chr2:61,840,369, A>T on the plus strand (T>A on the coding strand, the complement: FAM161A is on the minus strand). VCF-style: chr2-61840369-A-T. GRCh37 (hg19) VCF-style: chr2-62067504-A-T.
Other names: c.635T>A, p.Ile212Asn (NM_032180.3); short protein forms I212N.
Identifiers: ClinVar variation 2093708 (VCV002093708.3), dbSNP rs2466028046, ClinGen allele CA346988721.

ClinVar aggregate classification (germline): Uncertain significance (1 of 4 stars; one submission).

Submission:

Labcorp Genetics (formerly Invitae), Labcorp
Classification: Uncertain significance. Last evaluated: 2024-10-16. Review status: criteria provided, single submitter. Criteria: Invitae Variant Classification Sherloc (09022015). Collection method: clinical testing. Allele origin: germline.
Comment: This sequence change replaces isoleucine, which is neutral and non-polar, with asparagine, which is neutral and polar, at codon 212 of the FAM161A protein (p.Ile212Asn). This variant is not present in population databases (gnomAD no frequency). This variant has not been reported in the literature in individuals affected with FAM161A-related conditions. ClinVar contains an entry for this variant (Variation ID: 2093708). Invitae Evidence Modeling of protein sequence and biophysical properties (such as structural, functional, and spatial information, amino acid conservation, physicochemical variation, residue mobility, and thermodynamic stability) indicates that this missense variant is expected to disrupt FAM161A protein function with a positive predictive value of 80%. In summary, the available evidence is currently insufficient to determine the role of this variant in disease. Therefore, it has been classified as a Variant of Uncertain Significance.